The following is an entry in ClinVar:

NM_000535.7(PMS2):c.2426C>G (p.Ser809Cys)

Gene: PMS2 (PMS1 homolog 2, mismatch repair system component; minus strand). Cytogenetic location: 7p22.1.
Variant type: single nucleotide variant.
Coding change: c.2426C>G on transcript NM_000535.7 (MANE Select); coding-DNA position 2426, C replaced by G.
Protein change: p.Ser809Cys; replaces serine 809 with cysteine.
Molecular consequence: missense variant. On other transcripts: non-coding transcript variant (1).
Genome position (GRCh38, 1-based): chr7:5,977,607, G>C on the plus strand (C>G on the coding strand, the complement: PMS2 is on the minus strand). VCF-style: chr7-5977607-G-C. GRCh37 (hg19) VCF-style: chr7-6017238-G-C.
Other names: c.2021C>G, p.Ser674Cys (NM_001018040.1, NM_001322003.2, NM_001322004.2 and 12 more transcripts); c.2270C>G, p.Ser757Cys (NM_001322006.2); c.2108C>G, p.Ser703Cys (NM_001322007.2, NM_001322008.2, NM_001406883.1); c.2054C>G, p.Ser685Cys (NM_001322009.2, NM_001406887.1, NM_001406888.1); c.1865C>G, p.Ser622Cys (NM_001322010.2, NM_001406906.1, NM_001406907.1); c.1493C>G, p.Ser498Cys (NM_001322011.2, NM_001322012.2); c.1853C>G, p.Ser618Cys (NM_001322013.2, NM_001406908.1, NM_001406909.1); c.2459C>G, p.Ser820Cys (NM_001322014.2); and 20 more; short protein forms S647C, S703C, S714C, S717C, S757C, S773C, S618C, S638C.
Identifiers: ClinVar variation 2624750 (VCV002624750.5), dbSNP rs1583279643, ClinGen allele CA366735592.

ClinVar aggregate classification (germline): Uncertain significance. Review status: criteria provided, multiple submitters, no conflicts (2 of 4 stars). 2 submissions from 2 submitters: Uncertain significance (2). Last evaluated 2024-01-08.

Conditions:
Hereditary cancer-predisposing syndrome. Also called: Tumor predisposition; Hereditary Cancer Syndrome; Hereditary neoplastic syndrome; Neoplastic Syndromes, Hereditary. Identifiers: Orphanet 140162, MedGen C0027672, MeSH D009386, MONDO:0015356.
Hereditary nonpolyposis colorectal neoplasms. Identifiers: MedGen C0009405, MeSH D003123.

Allele frequency attached by ClinVar (database versions not stated): TOPMed below 0.00001.

Submissions (2):

Labcorp Genetics (formerly Invitae), Labcorp
Classification: Uncertain significance for Hereditary nonpolyposis colorectal neoplasms. Last evaluated: 2024-01-08. Review status: criteria provided, single submitter. Criteria: Invitae Variant Classification Sherloc (09022015). Collection method: clinical testing. Allele origin: germline.
Comment: This sequence change replaces serine, which is neutral and polar, with cysteine, which is neutral and slightly polar, at codon 809 of the PMS2 protein (p.Ser809Cys). The frequency data for this variant in the population databases (gnomAD) is considered unreliable due to the presence of homologous sequence, such as pseudogenes or paralogs, in the genome. This variant has not been reported in the literature in individuals affected with PMS2-related conditions. ClinVar contains an entry for this variant (Variation ID: 2624750). Advanced modeling of protein sequence and biophysical properties (such as structural, functional, and spatial information, amino acid conservation, physicochemical variation, residue mobility, and thermodynamic stability) performed at Invitae indicates that this missense variant is expected to disrupt PMS2 protein function with a positive predictive value of 80%. In summary, the available evidence is currently insufficient to determine the role of this variant in disease. Therefore, it has been classified as a Variant of Uncertain Significance.

Ambry Genetics
Classification: Uncertain significance for Hereditary cancer-predisposing syndrome. Last evaluated: 2023-07-30. Review status: criteria provided, single submitter. Criteria: Ambry Variant Classification Scheme 2023. Collection method: clinical testing. Allele origin: germline.
Comment: The p.S809C variant (also known as c.2426C>G), located in coding exon 14 of the PMS2 gene, results from a C to G substitution at nucleotide position 2426. The serine at codon 809 is replaced by cysteine, an amino acid with dissimilar properties. This amino acid position is conserved. In addition, this alteration is predicted to be deleterious by in silico analysis. Since supporting evidence is limited at this time, the clinical significance of this alteration remains unclear.